The following is an entry in ClinVar:

ClinVar aggregate classification (germline): Uncertain significance. Review status: criteria provided, multiple submitters, no conflicts (2 of 4 stars). 2 submissions from 2 submitters: Uncertain significance (2). Last evaluated 2022-07-05.

Conditions:
Peroxisome biogenesis disorder. Identifiers: Orphanet 79189, MedGen C1832200, MONDO:0019234. Disease mechanism: loss of function.

Allele frequency attached by ClinVar (database versions not stated): ExAC 0.00001; gnomAD 0.00001 and 0.00002; gnomAD exomes 0.00001; TOPMed 0.00003; 1000 Genomes Project 0.00020; 1000 Genomes Project 30x 0.00031.
gnomAD v4.1: 6 of 1,614,176 alleles (0.00037%); highest among the groups gnomAD compares: Admixed American, 0.01%; no homozygotes.

Submissions (2):

Labcorp Genetics (formerly Invitae), Labcorp
Classification: Uncertain significance for Peroxisome biogenesis disorder. Last evaluated: 2022-07-05. Review status: criteria provided, single submitter. Criteria: Invitae Variant Classification Sherloc (09022015). Collection method: clinical testing. Allele origin: germline.
Comment: This sequence change replaces alanine, which is neutral and non-polar, with valine, which is neutral and non-polar, at codon 872 of the PEX6 protein (p.Ala872Val). This variant is present in population databases (rs183208634, gnomAD 0.006%). This variant has not been reported in the literature in individuals affected with PEX6-related conditions. ClinVar contains an entry for this variant (Variation ID: 594289). Algorithms developed to predict the effect of missense changes on protein structure and function output the following: SIFT: "Tolerated"; PolyPhen-2: "Benign"; Align-GVGD: "Class C0". The valine amino acid residue is found in multiple mammalian species, which suggests that this missense change does not adversely affect protein function. Algorithms developed to predict the effect of sequence changes on RNA splicing suggest that this variant may disrupt the consensus splice site. In summary, the available evidence is currently insufficient to determine the role of this variant in disease. Therefore, it has been classified as a Variant of Uncertain Significance.

Eurofins Ntd Llc (ga)
Classification: Uncertain significance. Last evaluated: 2017-09-29. Review status: criteria provided, single submitter. Criteria: EGL Classification Definitions 2015. Collection method: clinical testing. Allele origin: germline. Observed: 1 variant allele, 1 heterozygote.

NM_000287.4(PEX6):c.2615C>T (p.Ala872Val)

Gene: PEX6 (peroxisomal biogenesis factor 6; minus strand). Cytogenetic location: 6p21.1.
Variant type: single nucleotide variant.
Coding change: c.2615C>T on transcript NM_000287.4 (MANE Select); coding-DNA position 2615, C replaced by T.
Protein change: p.Ala872Val; replaces alanine 872 with valine.
Molecular consequence: missense variant. On other transcripts: non-coding transcript variant (1).
Genome position (GRCh38, 1-based): chr6:42,965,126, G>A on the plus strand (C>T on the coding strand, the complement: PEX6 is on the minus strand). VCF-style: chr6-42965126-G-A. GRCh37 (hg19) VCF-style: chr6-42932864-G-A.
Other names: c.2351C>T, p.Ala784Val (NM_001316313.2); short protein forms A872V, A784V.
Identifiers: ClinVar variation 594289 (VCV000594289.7), dbSNP rs183208634, ClinGen allele CA3810961.